The following is an entry in ClinVar:

ClinVar aggregate classification (germline): Uncertain significance (1 of 4 stars; one submission).

Conditions:
Conotruncal heart malformations (CTHM). Also called: Conotruncal heart malformations, variable. Identifiers: Orphanet 2445, Orphanet 3384, Orphanet 3426, MedGen C1857586, MONDO:0016581, OMIM 217095.

Submission:

Labcorp Genetics (formerly Invitae), Labcorp
Classification: Uncertain significance for Conotruncal heart malformations. Last evaluated: 2025-07-09. Review status: criteria provided, single submitter. Criteria: Invitae Variant Classification Sherloc (09022015). Collection method: clinical testing. Allele origin: germline.
Comment: This sequence change replaces glycine, which is neutral and non-polar, with arginine, which is basic and polar, at codon 245 of the NKX2-6 protein (p.Gly245Arg). This variant is not present in population databases (gnomAD no frequency). This variant has not been reported in the literature in individuals affected with NKX2-6-related conditions. Invitae Evidence Modeling of protein sequence and biophysical properties (such as structural, functional, and spatial information, amino acid conservation, physicochemical variation, residue mobility, and thermodynamic stability) indicates that this missense variant is not expected to disrupt NKX2-6 protein function with a negative predictive value of 80%. In summary, the available evidence is currently insufficient to determine the role of this variant in disease. Therefore, it has been classified as a Variant of Uncertain Significance.

NM_001136271.3(NKX2-6):c.733G>A (p.Gly245Arg)

Gene: NKX2-6 (NK2 homeobox 6; minus strand). Cytogenetic location: 8p21.2.
Variant type: single nucleotide variant.
Coding change: c.733G>A on transcript NM_001136271.3 (MANE Select); coding-DNA position 733, G replaced by A.
Protein change: p.Gly245Arg; replaces glycine 245 with arginine.
Molecular consequence: missense variant.
Genome position (GRCh38, 1-based): chr8:23,702,624, C>T on the plus strand (G>A on the coding strand, the complement: NKX2-6 is on the minus strand). VCF-style: chr8-23702624-C-T. GRCh37 (hg19) VCF-style: chr8-23560137-C-T.
Other names: short protein forms G245R.
Identifiers: ClinVar variation 4810046 (VCV004810046.1).